The following is an entry in ClinVar:

NM_015450.3(POT1):c.936C>G (p.Asp312Glu)

Gene: POT1 (protection of telomeres 1; minus strand). Cytogenetic location: 7q31.33.
Variant type: single nucleotide variant.
Coding change: c.936C>G on transcript NM_015450.3 (MANE Select); coding-DNA position 936, C replaced by G.
Protein change: p.Asp312Glu; replaces aspartic acid 312 with glutamic acid.
Molecular consequence: missense variant. On other transcripts: non-coding transcript variant (3).
Genome position (GRCh38, 1-based): chr7:124,851,885, G>C on the plus strand (C>G on the coding strand, the complement: POT1 is on the minus strand). VCF-style: chr7-124851885-G-C. GRCh37 (hg19) VCF-style: chr7-124491939-G-C.
Other names: c.543C>G, p.Asp181Glu (NM_001042594.2); short protein forms D312E, D181E.
Identifiers: ClinVar variation 965628 (VCV000965628.10), dbSNP rs35051558, ClinGen allele CA166063986.
Genomic context (GRCh38, chr7:124,851,885, plus strand): 5'-TTTTATTTAGCAAGAACTAAACTGTCAATGTTAAAGATTATCCTTACTTGGAAAGCTGTC[G>C]TCAGGTTCTGATTGACAGATAACATCTGAATGCTGATTGGCTGTCAAATTTGCAGATTCT-3'
Protein context (NP_056265.2, residues 302-322): HSDVICQSEP[Asp312Glu]DSFPSSGSVS

ClinVar aggregate classification (germline): Conflicting classifications of pathogenicity. Review status: criteria provided, conflicting classifications (1 of 4 stars). 2 submissions from 2 submitters: Uncertain significance (1); Likely benign (1). Last evaluated 2025-10-10.

Conditions:
Tumor predisposition syndrome 3 (TPDS3). Also called: Melanoma, cutaneous malignant, susceptibility to, 10; Glioma susceptibility 9; LONG TELOMERE SYNDROME, POT1-RELATED; POT1 Tumor Predisposition. Identifiers: Orphanet 618, MedGen C4014476, MONDO:0014368, OMIM 615848.
Hereditary cancer-predisposing syndrome. Also called: Tumor predisposition; Hereditary Cancer Syndrome; Neoplastic Syndromes, Hereditary; Hereditary neoplastic syndrome. Identifiers: Orphanet 140162, MedGen C0027672, MeSH D009386, MONDO:0015356.

gnomAD v4.1: 2 of 1,607,800 alleles (0.00012%); highest among the groups gnomAD compares: South Asian, 0.0022%; no homozygotes.

Submissions (2):

Labcorp Genetics (formerly Invitae), Labcorp
Classification: Uncertain significance for Tumor predisposition syndrome 3. Last evaluated: 2025-10-10. Review status: criteria provided, single submitter. Criteria: Invitae Variant Classification Sherloc (09022015). Collection method: clinical testing. Allele origin: germline.
Comment: This sequence change replaces aspartic acid, which is acidic and polar, with glutamic acid, which is acidic and polar, at codon 312 of the POT1 protein (p.Asp312Glu). This variant is not present in population databases (gnomAD no frequency). This variant has not been reported in the literature in individuals affected with POT1-related conditions. ClinVar contains an entry for this variant (Variation ID: 965628). Invitae Evidence Modeling of protein sequence and biophysical properties (such as structural, functional, and spatial information, amino acid conservation, physicochemical variation, residue mobility, and thermodynamic stability) indicates that this missense variant is not expected to disrupt POT1 protein function with a negative predictive value of 80%. In summary, the available evidence is currently insufficient to determine the role of this variant in disease. Therefore, it has been classified as a Variant of Uncertain Significance.

Ambry Genetics
Classification: Likely benign for Hereditary cancer-predisposing syndrome. Last evaluated: 2021-06-07. Review status: criteria provided, single submitter. Criteria: Ambry Variant Classification Scheme 2023. Collection method: clinical testing. Allele origin: germline.